The following is an entry in ClinVar:

NM_000027.4(AGA):c.915A>G (p.Ile305Met)

Gene: AGA (aspartylglucosaminidase; minus strand). Cytogenetic location: 4q34.3.
Variant type: single nucleotide variant.
Coding change: c.915A>G on transcript NM_000027.4 (MANE Select); coding-DNA position 915, A replaced by G.
Protein change: p.Ile305Met; replaces isoleucine 305 with methionine.
Molecular consequence: missense variant. On other transcripts: non-coding transcript variant (1).
Genome position (GRCh38, 1-based): chr4:177,433,239, T>C on the plus strand (A>G on the coding strand, the complement: AGA is on the minus strand). VCF-style: chr4-177433239-T-C. GRCh37 (hg19) VCF-style: chr4-178354393-T-C.
Other names: c.885A>G, p.Ile295Met (NM_001171988.2); short protein forms I295M, I305M.
Identifiers: ClinVar variation 2163006 (VCV002163006.2), dbSNP rs1736685672, ClinGen allele CA358781159.

ClinVar aggregate classification (germline): Uncertain significance (1 of 4 stars; one submission).

Conditions:
Aspartylglucosaminuria (AGU). Also called: AGA DEFICIENCY; GLYCOASPARAGINASE; GLYCOSYLASPARAGINASE DEFICIENCY; Aspartylglucos-aminuria; Aspartylglucos-amidase (AGA) deficiency. Identifiers: Orphanet 93, MedGen C0268225, MONDO:0008830, OMIM 208400, HP:0012068.

Allele frequency attached by ClinVar (database versions not stated): TOPMed below 0.00001.

Submission:

Labcorp Genetics (formerly Invitae), Labcorp
Classification: Uncertain significance for Aspartylglucosaminuria. Last evaluated: 2024-06-03. Review status: criteria provided, single submitter. Criteria: Invitae Variant Classification Sherloc (09022015). Collection method: clinical testing. Allele origin: germline.
Comment: This sequence change replaces isoleucine, which is neutral and non-polar, with methionine, which is neutral and non-polar, at codon 305 of the AGA protein (p.Ile305Met). This variant is not present in population databases (gnomAD no frequency). This variant has not been reported in the literature in individuals affected with AGA-related conditions. ClinVar contains an entry for this variant (Variation ID: 2163006). Advanced modeling of protein sequence and biophysical properties (such as structural, functional, and spatial information, amino acid conservation, physicochemical variation, residue mobility, and thermodynamic stability) has been performed at Invitae for this missense variant, however the output from this modeling did not meet the statistical confidence thresholds required to predict the impact of this variant on AGA protein function. In summary, the available evidence is currently insufficient to determine the role of this variant in disease. Therefore, it has been classified as a Variant of Uncertain Significance.